The following is an entry in ClinVar:

NM_000543.5(SMPD1):c.1331T>A (p.Ile444Asn)

Gene: SMPD1 (sphingomyelin phosphodiesterase 1; plus strand). Cytogenetic location: 11p15.4.
Variant type: single nucleotide variant.
Coding change: c.1331T>A on transcript NM_000543.5 (MANE Select); coding-DNA position 1331, T replaced by A.
Protein change: p.Ile444Asn; replaces isoleucine 444 with asparagine.
Molecular consequence: missense variant. On other transcripts: non-coding transcript variant (2).
Genome position (GRCh38, 1-based): chr11:6,393,684, T>A. VCF-style: chr11-6393684-T-A. GRCh37 (hg19) VCF-style: chr11-6414914-T-A.
Other names: c.1328T>A, p.Ile443Asn (NM_001007593.3); c.1331T>A, p.Ile444Asn (NM_001318087.2); c.410T>A, p.Ile137Asn (NM_001318088.2); c.1199T>A, p.Ile400Asn (NM_001365135.2); short protein forms I400N, I137N, I443N, I444N.
Identifiers: ClinVar variation 2136990 (VCV002136990.4), dbSNP rs1398380898, ClinGen allele CA379374565.

ClinVar aggregate classification (germline): Pathogenic (1 of 4 stars; one submission).

Conditions:
Niemann-Pick disease, type A. Also called: SPHINGOMYELIN LIPIDOSIS; SPHINGOMYELINASE DEFICIENCY; Infantile Neurovisceral ASMD (Niemann-Pick Disease Type A; NPD-A). Identifiers: Orphanet 77292, MedGen C0268242, MONDO:0009756, OMIM 257200. Disease mechanism: loss of function.
Niemann-Pick disease, type B. Also called: Chronic Visceral ASMD (Niemann-Pick Disease Type B; NPD-B). Identifiers: Orphanet 77293, MedGen C0268243, MONDO:0011871, OMIM 607616. Disease mechanism: loss of function.

Submission:

Labcorp Genetics (formerly Invitae), Labcorp
Classification: Pathogenic for Niemann-Pick disease, type B; Niemann-Pick disease, type A. Last evaluated: 2022-10-07. Review status: criteria provided, single submitter. Criteria: Invitae Variant Classification Sherloc (09022015). Collection method: clinical testing. Allele origin: germline.
Comment: This sequence change replaces isoleucine, which is neutral and non-polar, with asparagine, which is neutral and polar, at codon 444 of the SMPD1 protein (p.Ile444Asn). This variant is not present in population databases (gnomAD no frequency). For these reasons, this variant has been classified as Pathogenic. Advanced modeling of protein sequence and biophysical properties (such as structural, functional, and spatial information, amino acid conservation, physicochemical variation, residue mobility, and thermodynamic stability) performed at Invitae indicates that this missense variant is expected to disrupt SMPD1 protein function. This missense change has been observed in individual(s) with Niemann-Pick disease type A or B (PMID: 27338287).

Literature cited by the submitters: PubMed 27338287.